The following is an entry in ClinVar:

ClinVar aggregate classification (germline): Likely benign. Review status: criteria provided, multiple submitters, no conflicts (2 of 4 stars). 2 submissions from 2 submitters: Likely benign (2). Last evaluated 2025-03-11.

Conditions:
Epilepsy, progressive myoclonic, 1B. Also called: PME. Identifiers: Orphanet 308, MedGen C2676254, MONDO:0012904, OMIM 612437.

Allele frequency attached by ClinVar (database versions not stated): gnomAD 0.00001; TOPMed 0.00002; ESP Exome Variant Server 0.00008.
gnomAD v4.1: 2 of 1,605,692 alleles (0.00012%); highest among the groups gnomAD compares: African/African-American, 0.0027%; no homozygotes.

Submissions (2):

Labcorp Genetics (formerly Invitae), Labcorp
Classification: Likely benign for Epilepsy, progressive myoclonic, 1B. Last evaluated: 2025-03-11. Review status: criteria provided, single submitter. Criteria: Invitae Variant Classification Sherloc (09022015). Collection method: clinical testing. Allele origin: germline.

GeneDx
Classification: Likely benign. Last evaluated: 2015-11-11. Review status: criteria provided, single submitter. Criteria: GeneDx Variant Classification (06012015). Collection method: clinical testing. Allele origin: germline. Affected: yes.
Comment: This variant is considered likely benign or benign based on one or more of the following criteria: it is a conservative change, it occurs at a poorly conserved position in the protein, it is predicted to be benign by multiple in silico algorithms, and/or has population frequency not consistent with disease.

NM_153026.3(PRICKLE1):c.1023G>C (p.Arg341=)

Genes: PRICKLE1 (prickle planar cell polarity protein 1; minus strand), LOC126861509 (BRD4-independent group 4 enhancer GRCh37_chr12:42858567-42859766; plus strand). Cytogenetic location: 12q12.
Variant type: single nucleotide variant.
Coding change: c.1023G>C on transcript NM_153026.3 (MANE Select); coding-DNA position 1023, G replaced by C.
Protein change: p.Arg341=; no amino-acid change (arginine 341 retained).
Molecular consequence: synonymous variant.
Genome position (GRCh38, 1-based): chr12:42,465,011, C>G on the plus strand (G>C on the coding strand, the complement: PRICKLE1 is on the minus strand). VCF-style: chr12-42465011-C-G. GRCh37 (hg19) VCF-style: chr12-42858813-C-G.
Other names: c.1023G>C, p.Arg341= (NM_001144881.2, NM_001144882.2, NM_001144883.2).
Identifiers: ClinVar variation 381705 (VCV000381705.2), dbSNP rs370013528, ClinGen allele CA6519804.